The following is an entry in ClinVar:

NM_001845.6(COL4A1):c.2093A>G (p.Lys698Arg)

Gene: COL4A1 (collagen type IV alpha 1 chain; minus strand). Cytogenetic location: 13q34.
Variant type: single nucleotide variant.
Coding change: c.2093A>G on transcript NM_001845.6 (MANE Select); coding-DNA position 2093, A replaced by G.
Protein change: p.Lys698Arg; replaces lysine 698 with arginine.
Molecular consequence: missense variant.
Genome position (GRCh38, 1-based): chr13:110,182,995, T>C on the plus strand (A>G on the coding strand, the complement: COL4A1 is on the minus strand). VCF-style: chr13-110182995-T-C. GRCh37 (hg19) VCF-style: chr13-110835342-T-C.
Other names: short protein forms K698R.
Identifiers: ClinVar variation 447160 (VCV000447160.15), dbSNP rs375318302, ClinGen allele CA7047725.

ClinVar aggregate classification (germline): Uncertain significance. Review status: criteria provided, multiple submitters, no conflicts (2 of 4 stars). 6 submissions from 6 submitters: Uncertain significance (6). Last evaluated 2025-12-24.

Conditions:
Microangiopathy and leukoencephalopathy, pontine, autosomal dominant. Also called: Pontine autosomal dominant microangiopathy with leukoencephalopathy; DEMENTIA, HEREDITARY MULTI-INFARCT, SWEDISH TYPE. Identifiers: Orphanet 477749, MedGen C5231411, MONDO:0032814, OMIM 618564.
Autosomal dominant familial hematuria-retinal arteriolar tortuosity-contractures syndrome. Also called: Angiopathy, hereditary, with nephropathy, aneurysms, and muscle cramps; Hereditary Angiopathy with Nephropathy, Aneurysms, and Muscle Cramps (HANAC) Syndrome. Identifiers: Orphanet 73229, MedGen C2673195, MONDO:0012726, OMIM 611773.
Brain small vessel disease 1 with or without ocular anomalies (BSVD1). Also called: PORENCEPHALY, TYPE 1, AUTOSOMAL DOMINANT; GOULD SYNDROME 1; Brain small vessel disease with or without ocular anomalies; BRAIN SMALL VESSEL DISEASE WITH HEMORRHAGE. Identifiers: Orphanet 2940, Orphanet 36383, Orphanet 99810, MedGen C4755307, MONDO:0008289, OMIM 175780.
Hemorrhage, intracerebral, susceptibility to (ICH). Also called: Stroke, hemorrhagic, susceptibility to. Identifiers: MedGen C3281105, MONDO:0100533, OMIM 614519.
Retinal arterial tortuosity. Also called: Retinal arteries, tortuosity of; RETINAL HEMORRHAGE WITH VASCULAR TORTUOSITY. Identifiers: Orphanet 75326, MedGen C0423401, MONDO:0008373, OMIM 180000, HP:0000631.

Allele frequency attached by ClinVar (database versions not stated): gnomAD exomes 0.00001 and 0.00005; ExAC 0.00003; ESP Exome Variant Server 0.00008; gnomAD 0.00018 and 0.00021; TOPMed 0.00021.
gnomAD v4.1: 45 of 1,611,994 alleles (0.0028%); highest among the groups gnomAD compares: African/African-American, 0.051%; no homozygotes.

Submissions (6):

Labcorp Genetics (formerly Invitae), Labcorp
Classification: Uncertain significance. Last evaluated: 2025-12-24. Review status: criteria provided, single submitter. Criteria: Invitae Variant Classification Sherloc (09022015). Collection method: clinical testing. Allele origin: germline.
Comment: This sequence change replaces lysine, which is basic and polar, with arginine, which is basic and polar, at codon 698 of the COL4A1 protein (p.Lys698Arg). This variant is present in population databases (rs375318302, gnomAD 0.05%), and has an allele count higher than expected for a pathogenic variant. This missense change has been observed in individual(s) with lacunar stroke (PMID: 31719132). ClinVar contains an entry for this variant (Variation ID: 447160). An algorithm developed to predict the effect of missense changes on protein structure and function (PolyPhen-2) suggests that this variant is likely to be tolerated. In summary, the available evidence is currently insufficient to determine the role of this variant in disease. Therefore, it has been classified as a Variant of Uncertain Significance.

Mayo Clinic Laboratories, Mayo Clinic
Classification: Uncertain significance. Last evaluated: 2025-11-06. Review status: criteria provided, single submitter. Criteria: ACMG Guidelines, 2015. Collection method: clinical testing. Allele origin: germline. Observed: 1 variant allele.
Comment: BS1

GeneDx
Classification: Uncertain significance. Last evaluated: 2025-01-13. Review status: criteria provided, single submitter. Criteria: GeneDx Variant Classification Process June 2021. Collection method: clinical testing. Allele origin: germline. Affected: yes.
Comment: Identified in a patient with small vessel disease (PMID: 31719132); In silico analysis supports that this missense variant does not alter protein structure/function; This variant is associated with the following publications: (PMID: 31719132)

Fulgent Genetics
Classification: Uncertain significance for Brain small vessel disease 1 with or without ocular anomalies; Retinal arterial tortuosity; Autosomal dominant familial hematuria-retinal arteriolar tortuosity-contractures syndrome; Hemorrhage, intracerebral, susceptibility to; Microangiopathy and leukoencephalopathy, pontine, autosomal dominant. Last evaluated: 2024-02-09. Review status: criteria provided, single submitter. Criteria: ACMG Guidelines, 2015. Collection method: clinical testing. Allele origin: germline.

Revvity Omics, Revvity
Classification: Uncertain significance. Last evaluated: 2023-10-09. Review status: criteria provided, single submitter. Criteria: ACMG Guidelines, 2015. Collection method: clinical testing. Allele origin: germline.

Athena Diagnostics
Classification: Uncertain significance. Last evaluated: 2016-12-15. Review status: criteria provided, single submitter. Criteria: Athena Diagnostics Criteria. Collection method: clinical testing. Allele origin: germline.

Literature cited by the submitters: PubMed 31719132 (cited by Labcorp Genetics (formerly Invitae), Labcorp and Mayo Clinic Laboratories, Mayo Clinic).